The following is an entry in ClinVar:

NM_030665.4(RAI1):c.3760A>C (p.Asn1254His)

Gene: RAI1 (retinoic acid induced 1; plus strand). Cytogenetic location: 17p11.2.
Variant type: single nucleotide variant.
Coding change: c.3760A>C on transcript NM_030665.4 (MANE Select); coding-DNA position 3760, A replaced by C.
Protein change: p.Asn1254His; replaces asparagine 1254 with histidine.
Molecular consequence: missense variant.
Genome position (GRCh38, 1-based): chr17:17,796,708, A>C. VCF-style: chr17-17796708-A-C. GRCh37 (hg19) VCF-style: chr17-17700022-A-C.
Other names: short protein forms N1254H.
Identifiers: ClinVar variation 4995204 (VCV004995204.1).

ClinVar aggregate classification (germline): Uncertain significance (1 of 4 stars; one submission).

Conditions:
RAI1-related disorder. Also called: RAI1-related condition.

Submission:

PreventionGenetics, part of Exact Sciences
Classification: Uncertain significance for RAI1-related condition. Last evaluated: 2026-05-11. Review status: criteria provided, single submitter. Criteria: ACMG Guidelines, 2015. Collection method: clinical testing. Allele origin: germline.
Comment: The RAI1 c.3760A>C variant is predicted to result in the amino acid substitution p.Asn1254His. To our knowledge, this variant has not been reported in the literature or in a large population database (gnomAD), indicating this variant is rare. At this time, the clinical significance of this variant is uncertain due to the absence of conclusive functional and genetic evidence.